The following is an entry in ClinVar:

ClinVar aggregate classification (germline): Conflicting classifications of pathogenicity. Review status: criteria provided, conflicting classifications (1 of 4 stars). 2 submissions from 2 submitters: Uncertain significance (1); Likely benign (1). Last evaluated 2025-03-08.

Conditions:
Inborn genetic diseases. Identifiers: MedGen C0950123, MeSH D030342.
Biotin-responsive basal ganglia disease (BTBGD). Also called: Thiamine Transporter-2 Deficiency; Thiamine metabolism dysfunction syndrome type 2; THIAMINE METABOLISM DYSFUNCTION SYNDROME 2 (BIOTIN- AND THIAMINE-RESPONSIVE TYPE); Thiamine metabolism dysfunction syndrome 2 (biotin- or thiamine-responsive encephalopathy type 2); thiamine-responsive encephalopathy. Identifiers: Orphanet 199348, Orphanet 65284, MedGen C1843807, MONDO:0011841, OMIM 607483.

Allele frequency attached by ClinVar (database versions not stated): gnomAD exomes below 0.00001; TOPMed below 0.00001; gnomAD 0.00001.
gnomAD v4.1: 7 of 1,613,972 alleles (0.00043%); highest among the groups gnomAD compares: Admixed American, 0.0083%; no homozygotes.

Submissions (2):

Ambry Genetics
Classification: Likely benign for Inborn genetic diseases. Last evaluated: 2025-03-08. Review status: criteria provided, single submitter. Criteria: Ambry Variant Classification Scheme 2023. Collection method: clinical testing. Allele origin: germline.

Labcorp Genetics (formerly Invitae), Labcorp
Classification: Uncertain significance for Biotin-responsive basal ganglia disease. Last evaluated: 2022-08-23. Review status: criteria provided, single submitter. Criteria: Invitae Variant Classification Sherloc (09022015). Collection method: clinical testing. Allele origin: germline.
Comment: This sequence change replaces alanine, which is neutral and non-polar, with threonine, which is neutral and polar, at codon 367 of the SLC19A3 protein (p.Ala367Thr). This variant is present in population databases (no rsID available, gnomAD 0.006%). This variant has not been reported in the literature in individuals affected with SLC19A3-related conditions. ClinVar contains an entry for this variant (Variation ID: 1040365). Advanced modeling of protein sequence and biophysical properties (such as structural, functional, and spatial information, amino acid conservation, physicochemical variation, residue mobility, and thermodynamic stability) performed at Invitae indicates that this missense variant is not expected to disrupt SLC19A3 protein function. In summary, the available evidence is currently insufficient to determine the role of this variant in disease. Therefore, it has been classified as a Variant of Uncertain Significance.

NM_025243.4(SLC19A3):c.1099G>A (p.Ala367Thr)

Gene: SLC19A3 (solute carrier family 19 member 3; minus strand). Cytogenetic location: 2q36.3.
Variant type: single nucleotide variant.
Coding change: c.1099G>A on transcript NM_025243.4 (MANE Select); coding-DNA position 1099, G replaced by A.
Protein change: p.Ala367Thr; replaces alanine 367 with threonine.
Molecular consequence: missense variant.
Genome position (GRCh38, 1-based): chr2:227,695,962, C>T on the plus strand (G>A on the coding strand, the complement: SLC19A3 is on the minus strand). VCF-style: chr2-227695962-C-T. GRCh37 (hg19) VCF-style: chr2-228560678-C-T.
Other names: c.1099G>A (NM_025243.3); c.1099G>A, p.Ala367Thr (NM_001371411.1, NM_001371412.1); c.1087G>A, p.Ala363Thr (NM_001371413.1, NM_001371414.1); short protein forms A367T, A363T.
Identifiers: ClinVar variation 1040365 (VCV001040365.7), dbSNP rs1233252115, ClinGen allele CA350875795.